The following is an entry in ClinVar:

NM_002772.3(TMPRSS15):c.1202G>A (p.Gly401Glu)

Gene: TMPRSS15 (transmembrane serine protease 15; minus strand). Cytogenetic location: 21q21.1.
Variant type: single nucleotide variant.
Coding change: c.1202G>A on transcript NM_002772.3 (MANE Select); coding-DNA position 1202, G replaced by A.
Protein change: p.Gly401Glu; replaces glycine 401 with glutamic acid.
Molecular consequence: missense variant.
Genome position (GRCh38, 1-based): chr21:18,344,030, C>T on the plus strand (G>A on the coding strand, the complement: TMPRSS15 is on the minus strand). VCF-style: chr21-18344030-C-T. GRCh37 (hg19) VCF-style: chr21-19716347-C-T.
Other names: short protein forms G401E.
Identifiers: ClinVar variation 2067219 (VCV002067219.3), dbSNP rs80073031, ClinGen allele CA9984511.

ClinVar aggregate classification (germline): Uncertain significance. Review status: criteria provided, multiple submitters, no conflicts (2 of 4 stars). 2 submissions from 2 submitters: Uncertain significance (2). Last evaluated 2025-01-08.

Allele frequency attached by ClinVar (database versions not stated): gnomAD exomes 0.00002; ExAC 0.00012; 1000 Genomes Project 30x 0.00016; 1000 Genomes Project 0.00020; gnomAD 0.00029; TOPMed 0.00037; ESP Exome Variant Server 0.00062.
gnomAD v4.1: 72 of 1,613,926 alleles (0.0045%); highest among the groups gnomAD compares: African/African-American, 0.085%; 1 homozygote.

Submissions (2):

Ambry Genetics
Classification: Uncertain significance. Last evaluated: 2025-01-08. Review status: criteria provided, single submitter. Criteria: Ambry Variant Classification Scheme 2023. Collection method: clinical testing. Allele origin: germline.

Labcorp Genetics (formerly Invitae), Labcorp
Classification: Uncertain significance. Last evaluated: 2022-10-25. Review status: criteria provided, single submitter. Criteria: Invitae Variant Classification Sherloc (09022015). Collection method: clinical testing. Allele origin: germline.
Comment: This sequence change replaces glycine, which is neutral and non-polar, with glutamic acid, which is acidic and polar, at codon 401 of the TMPRSS15 protein (p.Gly401Glu). This variant is present in population databases (rs80073031, gnomAD 0.1%). This variant has not been reported in the literature in individuals affected with TMPRSS15-related conditions. Algorithms developed to predict the effect of missense changes on protein structure and function are either unavailable or do not agree on the potential impact of this missense change (SIFT: "Not Available"; PolyPhen-2: "Probably Damaging"; Align-GVGD: "Not Available"). In summary, the available evidence is currently insufficient to determine the role of this variant in disease. Therefore, it has been classified as a Variant of Uncertain Significance.